The following is an entry in ClinVar:

NM_001378454.1(ALMS1):c.11600dup (p.Leu3868fs)

Gene: ALMS1 (ALMS1 centrosome and basal body associated protein; plus strand). Cytogenetic location: 2p13.1.
Variant type: Duplication.
Coding change: c.11600dup on transcript NM_001378454.1 (MANE Select); coding-DNA position 11600, one base duplicated (T; older notation c.11600dupT).
Protein change: p.Leu3868fs; shifts the reading frame from leucine 3868.
Molecular consequence: frameshift variant.
Genome position (GRCh38, 1-based): chr2:73,599,453, T duplicated; the last of 3 consecutive T bases (chr2:73,599,451-73,599,453); duplicating any one gives the same sequence. VCF-style (leftmost placement, unchanged base first): chr2-73599450-G-GT. GRCh37 (hg19) VCF-style: chr2-73826577-G-GT.
Other names: c.11603dup, p.Leu3869fs (NM_015120.4); short protein forms L3868fs, L3869fs.
Identifiers: ClinVar variation 1073706 (VCV001073706.8), dbSNP rs2104188943, ClinGen allele CA2499216264.

ClinVar aggregate classification (germline): Pathogenic (1 of 4 stars; one submission).

Conditions:
Alstrom syndrome (ALMS). Identifiers: Orphanet 64, MedGen C0268425, MONDO:0008763, OMIM 203800.

Submission:

Labcorp Genetics (formerly Invitae), Labcorp
Classification: Pathogenic for Alstrom syndrome. Last evaluated: 2020-06-20. Review status: criteria provided, single submitter. Criteria: Invitae Variant Classification Sherloc (09022015). Collection method: clinical testing. Allele origin: germline.
Comment: For these reasons, this variant has been classified as Pathogenic. Loss-of-function variants in ALMS1 are known to be pathogenic (PMID: 17594715). This variant has not been reported in the literature in individuals with ALMS1-related conditions. This variant is not present in population databases (ExAC no frequency). This sequence change creates a premature translational stop signal (p.Leu3869Profs*24) in the ALMS1 gene. It is expected to result in an absent or disrupted protein product.

Literature cited by the submitters: PubMed 17594715.